The following is an entry in ClinVar:

ClinVar aggregate classification (germline): Uncertain significance. Review status: criteria provided, multiple submitters, no conflicts (2 of 4 stars). 2 submissions from 2 submitters: Uncertain significance (2). Last evaluated 2025-08-09.

Conditions:
Inborn genetic diseases. Identifiers: MedGen C0950123, MeSH D030342.

Allele frequency attached by ClinVar (database versions not stated): gnomAD exomes below 0.00001; gnomAD 0.00002 and 0.00003.
gnomAD v4.1: 6 of 1,613,600 alleles (0.00037%); highest among the groups gnomAD compares: African/African-American, 0.0027%; no homozygotes.

Submissions (2):

Ambry Genetics
Classification: Uncertain significance for Inborn genetic diseases. Last evaluated: 2025-08-09. Review status: criteria provided, single submitter. Criteria: Ambry Variant Classification Scheme 2023. Collection method: clinical testing. Allele origin: germline.

Labcorp Genetics (formerly Invitae), Labcorp
Classification: Uncertain significance. Last evaluated: 2021-09-01. Review status: criteria provided, single submitter. Criteria: Invitae Variant Classification Sherloc (09022015). Collection method: clinical testing. Allele origin: germline.
Comment: This sequence change replaces serine with threonine at codon 83 of the SLC24A1 protein (p.Ser83Thr). The serine residue is weakly conserved and there is a small physicochemical difference between serine and threonine. This variant is not present in population databases (ExAC no frequency). This variant has not been reported in the literature in individuals affected with SLC24A1-related conditions. Algorithms developed to predict the effect of missense changes on protein structure and function are either unavailable or do not agree on the potential impact of this missense change (SIFT: "Deleterious"; PolyPhen-2: "Possibly Damaging"; Align-GVGD: "Class C0"). In summary, the available evidence is currently insufficient to determine the role of this variant in disease. Therefore, it has been classified as a Variant of Uncertain Significance.

NM_004727.3(SLC24A1):c.248G>C (p.Ser83Thr)

Gene: SLC24A1 (solute carrier family 24 member 1; plus strand). Cytogenetic location: 15q22.31.
Variant type: single nucleotide variant.
Coding change: c.248G>C on transcript NM_004727.3 (MANE Select); coding-DNA position 248, G replaced by C.
Protein change: p.Ser83Thr; replaces serine 83 with threonine.
Molecular consequence: missense variant.
Genome position (GRCh38, 1-based): chr15:65,624,328, G>C. VCF-style: chr15-65624328-G-C. GRCh37 (hg19) VCF-style: chr15-65916666-G-C.
Other names: c.248G>C, p.Ser83Thr (NM_001301031.1, NM_001301032.1, NM_001301033.2); c.248G>C (NM_004727.2); short protein forms S83T.
Identifiers: ClinVar variation 1521267 (VCV001521267.6), dbSNP rs966141958, ClinGen allele CA271587427.